The following is an entry in ClinVar:

NM_003640.5(ELP1):c.2699_2700insGAGGGGC (p.Phe900fs)

Gene: ELP1 (elongator acetyltransferase complex subunit 1; minus strand). Cytogenetic location: 9q31.3.
Variant type: Insertion.
Coding change: c.2699_2700insGAGGGGC on transcript NM_003640.5 (MANE Select); coding-DNA positions 2699 to 2700, GAGGGGC inserted.
Protein change: p.Phe900fs; shifts the reading frame from phenylalanine 900.
Molecular consequence: frameshift variant.
Genome position: GRCh38 VCF-style: chr9-108896532-A-AGCCCCTC. GRCh37 (hg19) VCF-style: chr9-111658812-A-AGCCCCTC.
Other names: c.2357_2358insGAGGGGC, p.Phe786fs (NM_001318360.2); c.1652_1653insGAGGGGC, p.Phe551fs (NM_001330749.2); short protein forms F551fs, F786fs, F900fs.
Identifiers: ClinVar variation 1726381 (VCV001726381.2), dbSNP rs2537889057, ClinGen allele CA2580079377.

ClinVar aggregate classification (germline): Likely pathogenic (1 of 4 stars; one submission).

Conditions:
Familial dysautonomia. Also called: HSAN III; FD. Identifiers: Orphanet 1764, MedGen C0013364, MONDO:0009131, OMIM 223900. Disease mechanism: loss of function.

Submission:

Myriad Genetics, Inc.
Classification: Likely pathogenic for Familial dysautonomia. Last evaluated: 2021-12-16. Review status: criteria provided, single submitter. Criteria: Myriad Women's Health Autosomal Recessive and X-Linked Classification Criteria (2021). Collection method: clinical testing. Allele origin: unknown.
Comment: NM_003640.3(ELP1):c.2699_2700ins7(F900Lfs*4) is expected to be pathogenic in the context of familial dysautonomia. This variant is predicted to lead to an abnormal or absent protein product due to the creation of a premature termination codon in ELP1, a gene where loss-of-function variants are known to be pathogenic. Please note: this variant was assessed in the context of healthy population screening.